The following is an entry in ClinVar:

NM_000069.3(CACNA1S):c.5417T>G (p.Phe1806Cys)

Gene: CACNA1S (calcium voltage-gated channel subunit alpha1 S; minus strand). Cytogenetic location: 1q32.1.
Variant type: single nucleotide variant.
Coding change: c.5417T>G on transcript NM_000069.3 (MANE Select); coding-DNA position 5417, T replaced by G.
Protein change: p.Phe1806Cys; replaces phenylalanine 1806 with cysteine.
Molecular consequence: missense variant.
Genome position (GRCh38, 1-based): chr1:201,040,036, A>C on the plus strand (T>G on the coding strand, the complement: CACNA1S is on the minus strand). VCF-style: chr1-201040036-A-C. GRCh37 (hg19) VCF-style: chr1-201009164-A-C.
Other names: c.5417T>G (NM_000069.2); short protein forms F1806C.
Identifiers: ClinVar variation 3073855 (VCV003073855.2), dbSNP rs1553247334, ClinGen allele CA344129663.

ClinVar aggregate classification (germline): Uncertain significance. Review status: criteria provided, multiple submitters, no conflicts (2 of 4 stars). 2 submissions from 2 submitters: Uncertain significance (2). Last evaluated 2025-06-22.

Conditions:
Malignant hyperthermia, susceptibility to, 5 (MHS5). Also called: CACNA1S-Related Malignant Hyperthermia Susceptibility. Identifiers: Orphanet 423, MedGen C1866077, MONDO:0011163, OMIM 601887.

gnomAD v4.1: 1 of 1,614,204 alleles (0.000062%); highest among the groups gnomAD compares: Admixed American, 0.0017%; no homozygotes.

Submissions (2):

GeneDx
Classification: Uncertain significance. Last evaluated: 2025-06-22. Review status: criteria provided, single submitter. Criteria: GeneDx Variant Classification Process June 2021. Collection method: clinical testing. Allele origin: germline. Affected: yes.
Comment: Not observed at significant frequency in large population cohorts (gnomAD); In silico analysis supports that this missense variant has a deleterious effect on protein structure/function; Has not been previously published as pathogenic or benign to our knowledge

All of Us Research Program, National Institutes of Health
Classification: Uncertain significance for Malignant hyperthermia, susceptibility to, 5. Last evaluated: 2023-10-06. Review status: criteria provided, single submitter. Criteria: ACMG Guidelines, 2015. Collection method: clinical testing. Allele origin: germline. Inheritance: Autosomal dominant inheritance. Observed: 1 variant allele, 1 heterozygote.
Comment: This missense variant replaces phenylalanine with cysteine at codon 1806 of the CACNA1S protein. Computational prediction suggests that this variant may not impact protein structure and function (internally defined REVEL score threshold <= 0.5, PMID: 27666373). To our knowledge, functional studies have not been reported for this variant. This variant has not been reported in individuals affected with CACNA1S-related disorders in the literature. This variant has not been identified in the general population by the Genome Aggregation Database (gnomAD). The available evidence is insufficient to determine the role of this variant in disease conclusively. Therefore, this variant is classified as a Variant of Uncertain Significance.

This study involves interpretation of variants in research participants for the purpose of population health screening. Participant phenotype was not available at the time of variant classification. Additional details can be found in publication PMID: 35346344, PMCID: PMC8962531